The following is an entry in ClinVar:

NM_006946.4(SPTBN2):c.1231C>A (p.Leu411Met)

Gene: SPTBN2 (spectrin beta, non-erythrocytic 2; minus strand). Cytogenetic location: 11q13.2.
Variant type: single nucleotide variant.
Coding change: c.1231C>A on transcript NM_006946.4 (MANE Select); coding-DNA position 1231, C replaced by A.
Protein change: p.Leu411Met; replaces leucine 411 with methionine.
Molecular consequence: missense variant.
Genome position (GRCh38, 1-based): chr11:66,708,260, G>T on the plus strand (C>A on the coding strand, the complement: SPTBN2 is on the minus strand). VCF-style: chr11-66708260-G-T. GRCh37 (hg19) VCF-style: chr11-66475731-G-T.
Other names: c.1252C>A, p.Leu418Met (NM_001411025.1); short protein forms L411M, L418M.
Identifiers: ClinVar variation 2800684 (VCV002800684.3), dbSNP rs1941674719, ClinGen allele CA381481556.
Genomic context (GRCh38, chr11:66,708,260, plus strand): 5'-CGAAGCGGGCGGCCAGCTGCTCCAGCTTCTCCTGGCGGATGAGCTCGGTGCGCAGGGCCA[G>T]CTCACGCTCGTGCTCCGCCTTCTCCAGCCGCTCCCAAGCCTATGGGGTGGGGACAGGGTT-3'
Protein context (NP_008877.2, residues 401-421): RLEKAEHERE[Leu411Met]ALRTELIRQE

ClinVar aggregate classification (germline): Uncertain significance (1 of 4 stars; one submission).

Submission:

Labcorp Genetics (formerly Invitae), Labcorp
Classification: Uncertain significance. Last evaluated: 2024-02-05. Review status: criteria provided, single submitter. Criteria: Invitae Variant Classification Sherloc (09022015). Collection method: clinical testing. Allele origin: germline.
Comment: This sequence change replaces leucine, which is neutral and non-polar, with methionine, which is neutral and non-polar, at codon 411 of the SPTBN2 protein (p.Leu411Met). This variant is not present in population databases (gnomAD no frequency). This variant has not been reported in the literature in individuals affected with SPTBN2-related conditions. Advanced modeling of protein sequence and biophysical properties (such as structural, functional, and spatial information, amino acid conservation, physicochemical variation, residue mobility, and thermodynamic stability) performed at Invitae indicates that this missense variant is not expected to disrupt SPTBN2 protein function with a negative predictive value of 80%. In summary, the available evidence is currently insufficient to determine the role of this variant in disease. Therefore, it has been classified as a Variant of Uncertain Significance.